The following is an entry in ClinVar:

NM_007294.4(BRCA1):c.1768A>C (p.Ser590Arg)

Gene: BRCA1 (BRCA1 DNA repair associated; minus strand). Cytogenetic location: 17q21.31.
Variant type: single nucleotide variant.
Coding change: c.1768A>C on transcript NM_007294.4 (MANE Select); coding-DNA position 1768, A replaced by C.
Protein change: p.Ser590Arg; replaces serine 590 with arginine.
Molecular consequence: missense variant. On other transcripts: intron variant (137).
Genome position (GRCh38, 1-based): chr17:43,093,763, T>G on the plus strand (A>C on the coding strand, the complement: BRCA1 is on the minus strand). VCF-style: chr17-43093763-T-G. GRCh37 (hg19) VCF-style: chr17-41245780-T-G.
Other names: c.784+981A>C (NM_001408401.1, NM_001408396.1, NM_001407985.1 and 13 more transcripts); c.548-2731A>C (NM_001408494.1); c.664+981A>C (NM_001408444.1, NM_001408438.1, NM_001408430.1 and 12 more transcripts); c.670+2083A>C (NM_001408423.1, NM_001408420.1, NM_001408419.1 and 2 more transcripts); c.787+981A>C (NM_001408404.1, NM_001408472.1, NM_001407990.1 and 19 more transcripts); c.577+981A>C (NM_001408492.1, NM_001408513.1, NM_001408489.1 and 9 more transcripts); c.643+981A>C (NM_001408468.1, NM_001408465.1, NM_001408463.1 and 3 more transcripts); c.523+981A>C (NM_001408501.1, NM_001408500.1, NM_001408497.1 and 3 more transcripts); and 40 more; short protein forms S294R, S422R, S462R, S463R, S478R, S479R, S501R, S502R.
Identifiers: ClinVar variation 3073236 (VCV003073236.1), dbSNP rs80357454, ClinGen allele CA10598490.

ClinVar aggregate classification (germline): Uncertain significance (1 of 4 stars; one submission).

Conditions:
Breast-ovarian cancer, familial, susceptibility to, 1 (BROVCA1). Also called: BRCA1 Hereditary Breast and Ovarian Cancer; OVARIAN CANCER, SUSCEPTIBILITY TO. Identifiers: Orphanet 145, MedGen C2676676, MONDO:0011450, OMIM 604370. Disease mechanism: loss of function.

Submission:

All of Us Research Program, National Institutes of Health
Classification: Uncertain significance for Breast-ovarian cancer, familial, susceptibility to, 1. Last evaluated: 2023-08-28. Review status: criteria provided, single submitter. Criteria: ACMG Guidelines, 2015. Collection method: clinical testing. Allele origin: germline. Inheritance: Autosomal dominant inheritance. Observed: 2 variant alleles, 2 heterozygotes.
Comment: This missense variant replaces serine with arginine at codon 590 of the BRCA1 protein. Computational prediction is inconclusive regarding the impact of this variant on protein structure and function (internally defined REVEL score threshold 0.5 < inconclusive < 0.7, PMID: 27666373). To our knowledge, functional studies have not been reported for this variant. This variant has not been reported in individuals affected with BRCA1-related disorders in the literature. This variant has not been identified in the general population by the Genome Aggregation Database (gnomAD). The available evidence is insufficient to determine the role of this variant in disease conclusively. Therefore, this variant is classified as a Variant of Uncertain Significance.

This study involves interpretation of variants in research participants for the purpose of population health screening. Participant phenotype was not available at the time of variant classification. Additional details can be found in publication PMID: 35346344, PMCID: PMC8962531